The following is an entry in ClinVar:

ClinVar aggregate classification (germline): Likely pathogenic (1 of 4 stars; one submission).

Conditions:
Maple syrup urine disease (MSUD). Identifiers: Orphanet 511, MedGen C0024776, MeSH D008375, MONDO:0009563. Disease mechanism: loss of function.

Submission:

Labcorp Genetics (formerly Invitae), Labcorp
Classification: Likely pathogenic for Maple syrup urine disease. Last evaluated: 2023-01-13. Review status: criteria provided, single submitter. Criteria: Invitae Variant Classification Sherloc (09022015). Collection method: clinical testing. Allele origin: germline.
Comment: This sequence change affects an acceptor splice site in intron 7 of the BCKDHB gene. It is expected to disrupt RNA splicing. Variants that disrupt the donor or acceptor splice site typically lead to a loss of protein function (PMID: 16199547), and loss-of-function variants in BCKDHB are known to be pathogenic (PMID: 16786533, 22593002). This variant is not present in population databases (gnomAD no frequency). This variant has not been reported in the literature in individuals affected with BCKDHB-related conditions. Algorithms developed to predict the effect of sequence changes on RNA splicing suggest that this variant may disrupt the consensus splice site. In summary, the currently available evidence indicates that the variant is pathogenic, but additional data are needed to prove that conclusively. Therefore, this variant has been classified as Likely Pathogenic.

Literature cited by the submitters: PubMed 16199547; PubMed 16786533; PubMed 22593002.

NM_183050.4(BCKDHB):c.841-1G>T

Gene: BCKDHB (branched chain keto acid dehydrogenase E1 subunit beta; plus strand). Cytogenetic location: 6q14.1.
Variant type: single nucleotide variant.
Coding change: c.841-1G>T on transcript NM_183050.4 (MANE Select); the canonical splice acceptor site of the intron before coding-DNA position 841, G replaced by T.
Molecular consequence: splice acceptor variant.
Genome position (GRCh38, 1-based): chr6:80,203,101, G>T. VCF-style: chr6-80203101-G-T. GRCh37 (hg19) VCF-style: chr6-80912818-G-T.
Other names: c.631-1G>T (NM_001318975.1, NM_001424043.1); c.841-1G>T (NM_001424037.1, NM_001424036.1, NM_001424035.1 and 7 more transcripts).
Identifiers: ClinVar variation 2992492 (VCV002992492.3), dbSNP rs962489830, ClinGen allele CA364660094.